The following is an entry in ClinVar:

ClinVar aggregate classification (germline): Uncertain significance (1 of 4 stars; one submission).

Conditions:
Progressive myoclonic epilepsy type 8. Identifiers: Orphanet 424027, MedGen C5190825, MONDO:0014545, OMIM 616230.

Allele frequency attached by ClinVar (database versions not stated): gnomAD exomes below 0.00001 and 0.00001; gnomAD 0.00003 and 0.00004.
gnomAD v4.1: 11 of 1,613,378 alleles (0.00068%); highest among the groups gnomAD compares: Middle Eastern, 0.016%; no homozygotes.

Submission:

Labcorp Genetics (formerly Invitae), Labcorp
Classification: Uncertain significance for Progressive myoclonic epilepsy type 8. Last evaluated: 2022-07-26. Review status: criteria provided, single submitter. Criteria: Invitae Variant Classification Sherloc (09022015). Collection method: clinical testing. Allele origin: germline.
Comment: This variant has not been reported in the literature in individuals affected with CERS1-related conditions. In summary, the available evidence is currently insufficient to determine the role of this variant in disease. Therefore, it has been classified as a Variant of Uncertain Significance. Algorithms developed to predict the effect of missense changes on protein structure and function are either unavailable or do not agree on the potential impact of this missense change (SIFT: "Deleterious"; PolyPhen-2: "Benign"; Align-GVGD: "Class C0"). ClinVar contains an entry for this variant (Variation ID: 1410475). This variant is present in population databases (no rsID available, gnomAD 0.01%). This sequence change replaces methionine, which is neutral and non-polar, with valine, which is neutral and non-polar, at codon 169 of the CERS1 protein (p.Met169Val).

NM_021267.5(CERS1):c.505A>G (p.Met169Val)

Genes: CERS1 (ceramide synthase 1; minus strand), GDF1 (growth differentiation factor 1; minus strand). Cytogenetic location: 19p13.11.
Variant type: single nucleotide variant.
Coding change: c.505A>G on transcript NM_021267.5 (MANE Select); coding-DNA position 505, A replaced by G.
Protein change: p.Met169Val; replaces methionine 169 with valine.
Molecular consequence: missense variant. On other transcripts: 5 prime UTR variant (2).
Genome position (GRCh38, 1-based): chr19:18,884,172, T>C on the plus strand (A>G on the coding strand, the complement: CERS1 is on the minus strand). VCF-style: chr19-18884172-T-C. GRCh37 (hg19) VCF-style: chr19-18994981-T-C.
Other names: c.211A>G, p.Met71Val (NM_001290265.2, NM_001387442.1, NM_001387443.1 and 2 more transcripts); c.505A>G, p.Met169Val (NM_001387439.1, NM_001387440.1, NM_001387441.1 and 1 more transcripts); c.-398A>G (NM_001387438.1); c.-818A>G (NM_001492.6); short protein forms M169V, M71V.
Identifiers: ClinVar variation 1410475 (VCV001410475.4), dbSNP rs1230248222, ClinGen allele CA404866984.